The following is an entry in ClinVar:

ClinVar aggregate classification (germline): Uncertain significance (1 of 4 stars; one submission).

Submission:

Labcorp Genetics (formerly Invitae), Labcorp
Classification: Uncertain significance. Last evaluated: 2024-03-07. Review status: criteria provided, single submitter. Criteria: Invitae Variant Classification Sherloc (09022015). Collection method: clinical testing. Allele origin: germline.
Comment: This variant, c.328_330dup, results in the insertion of 1 amino acid(s) of the PIGB protein (p.Glu110dup), but otherwise preserves the integrity of the reading frame. This variant is present in population databases (rs760626065, gnomAD 0.01%). This variant has not been reported in the literature in individuals affected with PIGB-related conditions. Experimental studies and prediction algorithms are not available or were not evaluated, and the functional significance of this variant is currently unknown. In summary, the available evidence is currently insufficient to determine the role of this variant in disease. Therefore, it has been classified as a Variant of Uncertain Significance.

NM_004855.5(PIGB):c.328_330dup (p.Glu110_Arg111insGlu)

Gene: PIGB (phosphatidylinositol glycan anchor biosynthesis class B; plus strand). Cytogenetic location: 15q21.3.
Variant type: Duplication.
Coding change: c.328_330dup on transcript NM_004855.5 (MANE Select); coding-DNA positions 328 to 330, 3 bases duplicated (GAG; older notation c.328_330dupGAG).
Protein change: p.Glu110_Arg111insGlu.
Genome position (GRCh38, 1-based): chr15:55,321,301-55,321,303, GAG duplicated. VCF-style (leftmost placement, unchanged base first): chr15-55321300-A-AGAG. GRCh37 (hg19) VCF-style: chr15-55613498-A-AGAG.
Identifiers: ClinVar variation 3675727 (VCV003675727.2).
Genomic context (GRCh38, chr15:55,321,300, plus strand): 5'-TATTATTGGACATTTACTCCTTAATGTTACTAATTATGGTTATTTGACTTGGGAATGGAC[A>AGAG]GAGAGACTGAGGAGTTACACTTATCCCTTAATCTTTGCAAGCATTTACAAGATTCTTCAT-3'